The following is an entry in ClinVar:

ClinVar aggregate classification (germline): Pathogenic/Likely pathogenic. Review status: criteria provided, multiple submitters, no conflicts (2 of 4 stars). 3 submissions from 3 submitters: Pathogenic (1); Likely pathogenic (2). Last evaluated 2025-08-15.

Conditions:
SPINK5-related disorder. Also called: SPINK5-related condition.
Ichthyosis linearis circumflexa. Identifiers: MedGen C0265962, MONDO:0043106, HP:0025810.

Allele frequency attached by ClinVar (database versions not stated): gnomAD exomes below 0.00001.
gnomAD v4.1: 1 of 1,613,542 alleles (0.000062%); no homozygotes.

Submissions (3):

PreventionGenetics, part of Exact Sciences
Classification: Likely pathogenic for SPINK5-related condition. Last evaluated: 2025-08-15. Review status: criteria provided, single submitter. Criteria: ACMG Guidelines, 2015. Collection method: clinical testing. Allele origin: germline.
Comment: The SPINK5 c.1430+1G>T variant is predicted to disrupt the GT donor site and interfere with normal splicing. To our knowledge, this variant has not been reported in the literature. This variant is reported in 0.0046% of alleles in individuals of European (Finnish) descent in gnomAD. Variants that disrupt the consensus splice donor site in SPINK5 are expected to be pathogenic. This variant is interpreted as likely pathogenic.

Labcorp Genetics (formerly Invitae), Labcorp
Classification: Likely pathogenic for Ichthyosis linearis circumflexa. Last evaluated: 2025-04-29. Review status: criteria provided, single submitter. Criteria: Invitae Variant Classification Sherloc (09022015). Collection method: clinical testing. Allele origin: germline.
Comment: This sequence change affects a donor splice site in intron 15 of the SPINK5 gene. It is expected to disrupt RNA splicing. Variants that disrupt the donor or acceptor splice site typically lead to a loss of protein function (PMID: 16199547), and loss-of-function variants in SPINK5 are known to be pathogenic (PMID: 11511292, 11841556). This variant is present in population databases (no rsID available, gnomAD 0.004%). This variant has not been reported in the literature in individuals affected with SPINK5-related conditions. ClinVar contains an entry for this variant (Variation ID: 1200287). Algorithms developed to predict the effect of sequence changes on RNA splicing suggest that this variant may disrupt the consensus splice site. In summary, the currently available evidence indicates that the variant is pathogenic, but additional data are needed to prove that conclusively. Therefore, this variant has been classified as Likely Pathogenic.

GeneDx
Classification: Pathogenic. Last evaluated: 2025-04-16. Review status: criteria provided, single submitter. Criteria: GeneDx Variant Classification Process June 2021. Collection method: clinical testing. Allele origin: germline. Affected: yes.
Comment: Canonical splice site variant predicted to result in a null allele in a gene for which loss of function is a known mechanism of disease; Not observed at significant frequency in large population cohorts (gnomAD); Has not been previously published as pathogenic or benign to our knowledge

Literature cited by the submitters: PubMed 16199547 (cited by Labcorp Genetics (formerly Invitae), Labcorp); PubMed 11511292 (cited by Labcorp Genetics (formerly Invitae), Labcorp); PubMed 11841556 (cited by Labcorp Genetics (formerly Invitae), Labcorp).

NM_006846.4(SPINK5):c.1430+1G>T

Gene: SPINK5 (serine peptidase inhibitor Kazal type 5; plus strand). Cytogenetic location: 5q32.
Variant type: single nucleotide variant.
Coding change: c.1430+1G>T on transcript NM_006846.4 (MANE Select); the canonical splice donor site of the intron after coding-DNA position 1430, G replaced by T.
Molecular consequence: splice donor variant.
Genome position (GRCh38, 1-based): chr5:148,101,909, G>T. VCF-style: chr5-148101909-G-T. GRCh37 (hg19) VCF-style: chr5-147481472-G-T.
Other names: c.1430+1G>T (NM_006846.3, NM_001127698.2, NM_001127699.2).
Identifiers: ClinVar variation 1200287 (VCV001200287.11), dbSNP rs1309309448, ClinGen allele CA361637559.